The following is an entry in ClinVar:

NM_001082486.2(ACD):c.763G>T (p.Asp255Tyr)

Gene: ACD (ACD shelterin complex subunit and telomerase recruitment factor; minus strand). Cytogenetic location: 16q22.1.
Variant type: single nucleotide variant.
Coding change: c.763G>T on transcript NM_001082486.2 (MANE Select); coding-DNA position 763, G replaced by T.
Protein change: p.Asp255Tyr; replaces aspartic acid 255 with tyrosine.
Molecular consequence: missense variant. On other transcripts: intron variant (1).
Genome position (GRCh38, 1-based): chr16:67,658,621, C>A on the plus strand (G>T on the coding strand, the complement: ACD is on the minus strand). VCF-style: chr16-67658621-C-A. GRCh37 (hg19) VCF-style: chr16-67692524-C-A.
Other names: c.754G>T, p.Asp252Tyr (NM_022914.3); c.742+99G>T (NM_001410884.1); short protein forms D255Y, D252Y.
Identifiers: ClinVar variation 3261559 (VCV003261559.1).

ClinVar aggregate classification (germline): Uncertain significance (1 of 4 stars; one submission).

Conditions:
Inborn genetic diseases. Identifiers: MedGen C0950123, MeSH D030342.

Submission:

Ambry Genetics
Classification: Uncertain significance for Inborn genetic diseases. Last evaluated: 2024-06-11. Review status: criteria provided, single submitter. Criteria: Ambry Variant Classification Scheme 2023. Collection method: clinical testing. Allele origin: germline.
Comment: The p.D341Y variant (also known as c.1021G>T), located in coding exon 9 of the ACD gene, results from a G to T substitution at nucleotide position 1021. The aspartic acid at codon 341 is replaced by tyrosine, an amino acid with highly dissimilar properties. This amino acid position is conserved. In addition, this alteration is predicted to be tolerated by in silico analysis. Based on the available evidence, the clinical significance of this variant remains unclear.